The following is an entry in ClinVar:

NM_001379500.1(COL18A1):c.4003A>G (p.Met1335Val)

Genes: COL18A1 (collagen type XVIII alpha 1 chain; plus strand), SLC19A1 (solute carrier family 19 member 1; minus strand). Cytogenetic location: 21q22.3.
Variant type: single nucleotide variant.
Coding change: c.4003A>G on transcript NM_001379500.1 (MANE Select); coding-DNA position 4003, A replaced by G.
Protein change: p.Met1335Val; replaces methionine 1335 with valine.
Molecular consequence: missense variant.
Genome position (GRCh38, 1-based): chr21:45,512,381, A>G. VCF-style: chr21-45512381-A-G. GRCh37 (hg19) VCF-style: chr21-46932295-A-G.
Other names: c.4534A>G, p.Met1512Val (NM_030582.4); c.5239A>G, p.Met1747Val (NM_130444.3); short protein forms M1335V, M1747V, M1512V.
Identifiers: ClinVar variation 1501300 (VCV001501300.3), dbSNP rs1299058269, ClinGen allele CA410502493.
Genomic context (GRCh38, chr21:45,512,381, plus strand): 5'-GGGCAGAGTGCCGCGAGCTGCCATCACGCCTACATCGTGCTCTGCATTGAGAACAGCTTC[A>G]TGACTGCCTCCAAGTAGCCACCGCCTGGATGCGGATGGCCGGAGAGGACCGGCGGCTCGG-3'
Protein context (NP_001366429.1, residues 1325-1339): YIVLCIENSF[Met1335Val]TASK

ClinVar aggregate classification (germline): Uncertain significance (1 of 4 stars; one submission).

Allele frequency attached by ClinVar (database versions not stated): gnomAD exomes below 0.00001; TOPMed below 0.00001; gnomAD 0.00001.
gnomAD v4.1: 2 of 1,612,478 alleles (0.00012%); highest among the groups gnomAD compares: African/African-American, 0.0013%; no homozygotes.

Submission:

Labcorp Genetics (formerly Invitae), Labcorp
Classification: Uncertain significance. Last evaluated: 2022-08-09. Review status: criteria provided, single submitter. Criteria: Invitae Variant Classification Sherloc (09022015). Collection method: clinical testing. Allele origin: germline.
Comment: This sequence change replaces methionine with valine at codon 1332 of the COL18A1 protein (p.Met1332Val). There is a small physicochemical difference between methionine and valine. This variant is not present in population databases (gnomAD no frequency). This variant has not been reported in the literature in individuals affected with COL18A1-related conditions. ClinVar contains an entry for this variant (Variation ID: 1501300). Experimental studies and prediction algorithms are not available or were not evaluated, and the functional significance of this variant is currently unknown. In summary, the available evidence is currently insufficient to determine the role of this variant in disease. Therefore, it has been classified as a Variant of Uncertain Significance.